The following is an entry in ClinVar:

NM_003907.3(EIF2B5):c.1153A>G (p.Ile385Val)

Gene: EIF2B5 (eukaryotic translation initiation factor 2B subunit epsilon; plus strand). Cytogenetic location: 3q27.1.
Variant type: single nucleotide variant.
Coding change: c.1153A>G on transcript NM_003907.3 (MANE Select); coding-DNA position 1153, A replaced by G.
Protein change: p.Ile385Val; replaces isoleucine 385 with valine.
Molecular consequence: missense variant.
Genome position (GRCh38, 1-based): chr3:184,140,727, A>G. VCF-style: chr3-184140727-A-G. GRCh37 (hg19) VCF-style: chr3-183858515-A-G.
Other names: p.Ile385Val; short protein forms I385V.
Identifiers: ClinVar variation 1321404 (VCV001321404.4), dbSNP rs113994073, ClinGen allele CA2726591.

ClinVar aggregate classification (germline): Uncertain significance. Review status: criteria provided, multiple submitters, no conflicts (2 of 4 stars). 4 submissions from 4 submitters: Uncertain significance (4). Last evaluated 2024-04-02.

Conditions:
Vanishing white matter disease. Also called: CACH syndrome; Childhood ataxia with diffuse central nervous system hypomyelination; Leukoencephalopathy with vanishing white matter; CACH/VWM syndrome; Cree leukoencehalopathy. Identifiers: Orphanet 135, Orphanet 99853, MedGen C1858991, MONDO:0800448.

Allele frequency attached by ClinVar (database versions not stated): gnomAD 0.00001; gnomAD exomes 0.00001 and 0.00002; ExAC 0.00003; 1000 Genomes Project 30x 0.00016; 1000 Genomes Project 0.00020.
gnomAD v4.1: 9 of 1,614,046 alleles (0.00056%); highest among the groups gnomAD compares: Admixed American, 0.0017%; no homozygotes.

Submissions (4):

Mayo Clinic Laboratories, Mayo Clinic
Classification: Uncertain significance. Last evaluated: 2024-04-02. Review status: criteria provided, single submitter. Criteria: ACMG Guidelines, 2015. Collection method: clinical testing. Allele origin: germline. Observed: 1 variant allele.
Comment: PM2_moderate

Blueprint Genetics
Classification: Uncertain significance. Last evaluated: 2023-09-29. Review status: criteria provided, single submitter. Criteria: ACMG Guidelines, 2015. Collection method: clinical testing. Allele origin: germline.

Women's Health and Genetics/Laboratory Corporation of America, LabCorp
Classification: Uncertain significance. Last evaluated: 2021-10-22. Review status: criteria provided, single submitter. Criteria: LabCorp Variant Classification Summary - May 2015. Collection method: clinical testing. Allele origin: germline.
Comment: Variant summary: EIF2B5 c.1153A>G (p.Ile385Val) results in a conservative amino acid change located in the I-patch region of the encoded protein sequence. Three of five in-silico tools predict a damaging effect of the variant on protein function. The variant allele was found at a frequency of 1.6e-05 in 249720 control chromosomes. The available data on variant occurrences in the general population are insufficient to allow any conclusion about variant significance. c.1153A>G has been reported in the literature as a compound heterozygous genotype in at-least two individuals (siblings) affected with Leukoencephalopathy With Vanishing White Matter (example Fogli_2004). These two patients were subsequently biochemically characterized to have decreased asialotransferrin isoforms relative to the total transferrin isoforms (Vanderver_2008) and decreased nucleotide guanine exchange activity (GEF) measured in patients transformed lymphocytes (Fogli_2012). These patients have also been subsequently cited by others (example, Trimouille_2020, Shimada_2015, Pavitt_2009, Takano_2015). These data indicate that the variant may be associated with disease. At least one publication reports variant specific experimental evidence evaluating an impact on protein function. These results showed no damaging effect of this variant as evidenced by no effect on complex formation or eIF2B activity in vitro (Wang_2012). No clinical diagnostic laboratories have submitted clinical-significance assessments for this variant to ClinVar after 2014. Based on the conflicting evidence outlined above, the variant was classified as uncertain significance.

Fulgent Genetics
Classification: Uncertain significance for Leukoencephalopathy with vanishing white matter 1. Last evaluated: 2021-08-10. Review status: criteria provided, single submitter. Criteria: ACMG Guidelines, 2015. Collection method: clinical testing. Allele origin: unknown.

Literature cited by the submitters: PubMed 15136673 (cited by Mayo Clinic Laboratories, Mayo Clinic and Women's Health and Genetics/Laboratory Corporation of America, LabCorp); PubMed 18519871 (cited by Mayo Clinic Laboratories, Mayo Clinic and Women's Health and Genetics/Laboratory Corporation of America, LabCorp); PubMed 19909266 (cited by Mayo Clinic Laboratories, Mayo Clinic and Women's Health and Genetics/Laboratory Corporation of America, LabCorp); PubMed 20016818 (cited by Mayo Clinic Laboratories, Mayo Clinic); PubMed 22238342 (cited by Mayo Clinic Laboratories, Mayo Clinic and Women's Health and Genetics/Laboratory Corporation of America, LabCorp); PubMed 22737209 (cited by Mayo Clinic Laboratories, Mayo Clinic); PubMed 22952606 (cited by Mayo Clinic Laboratories, Mayo Clinic and Women's Health and Genetics/Laboratory Corporation of America, LabCorp); PubMed 25457085 (cited by Mayo Clinic Laboratories, Mayo Clinic and Women's Health and Genetics/Laboratory Corporation of America, LabCorp); PubMed 25843247 (cited by Mayo Clinic Laboratories, Mayo Clinic and Women's Health and Genetics/Laboratory Corporation of America, LabCorp); PubMed 32293553 (cited by Mayo Clinic Laboratories, Mayo Clinic and Women's Health and Genetics/Laboratory Corporation of America, LabCorp).